The following is an entry in ClinVar:

ClinVar aggregate classification (germline): Benign. Review status: criteria provided, multiple submitters, no conflicts (2 of 4 stars). 2 submissions from 2 submitters: Benign (2). Last evaluated 2018-01-12.

Conditions:
Posterior column ataxia-retinitis pigmentosa syndrome (RETSNS). Also called: RETINOPATHY-SENSORY NEUROPATHY SYNDROME. Identifiers: Orphanet 88628, MedGen C1836916, MONDO:0012177, OMIM 609033.

Allele frequency attached by ClinVar (database versions not stated): TOPMed 0.08504; 1000 Genomes Project 30x 0.08510; gnomAD 0.08452 and 0.08207; gnomAD exomes 0.05728; 1000 Genomes Project 0.08367.
gnomAD v4.1: 22,853 of 332,226 alleles (6.9%); highest among the groups gnomAD compares: African/African-American, 14%; 986 homozygotes.

Submissions (2):

Illumina Laboratory Services, Illumina
Classification: Benign for Posterior column ataxia-retinitis pigmentosa syndrome. Last evaluated: 2018-01-12. Review status: criteria provided, single submitter. Criteria: ICSL Variant Classification Criteria 13 December 2019. Collection method: clinical testing. Allele origin: germline.
Comment: This variant was observed in the ICSL laboratory as part of a predisposition screen in an ostensibly healthy population. It had not been previously curated by ICSL or reported in the Human Gene Mutation Database (HGMD: prior to June 1st, 2018), and was therefore a candidate for classification through an automated scoring system. Utilizing variant allele frequency, disease prevalence and penetrance estimates, and inheritance mode, an automated score was calculated to assess if this variant is too frequent to cause the disease. Based on the score and internal cut-off values, a variant classified as benign is not then subjected to further curation. The score for this variant resulted in a classification of benign for this disease.

Breakthrough Genomics
Classification: Benign. Review status: criteria provided, single submitter. Criteria: ACMG Guidelines, 2015. Collection method: not provided. Allele origin: germline. Inheritance: Autosomal recessive inheritance. Affected: yes.

NM_014053.4(FLVCR1):c.*353A>G

Gene: FLVCR1 (FLVCR choline and heme transporter 1; plus strand). Cytogenetic location: 1q32.3.
Variant type: single nucleotide variant.
Coding change: c.*353A>G on transcript NM_014053.4 (MANE Select); 353 bases downstream of the stop codon, A replaced by G.
Molecular consequence: 3 prime UTR variant.
Genome position (GRCh38, 1-based): chr1:212,895,643, A>G. VCF-style: chr1-212895643-A-G. GRCh37 (hg19) VCF-style: chr1-213068985-A-G.
Identifiers: ClinVar variation 295334 (VCV000295334.6), dbSNP rs6679775, ClinGen allele CA10609788.